The following is an entry in ClinVar:

ClinVar aggregate classification (germline): Likely benign (1 of 4 stars; one submission).

gnomAD v4.1: 2 of 1,613,914 alleles (0.00012%); highest among the groups gnomAD compares: Non-Finnish European, 0.00017%; no homozygotes.

Submission:

CeGaT Center for Human Genetics Tuebingen
Classification: Likely benign. Last evaluated: 2024-07-01. Review status: criteria provided, single submitter. Criteria: CeGaT Center For Human Genetics Tuebingen Variant Classification Criteria Version 2. Collection method: clinical testing. Allele origin: germline. Affected: yes. Observed: 1 variant allele.
Comment: MS4A1: BP4, BP7

NM_152866.3(MS4A1):c.222A>G (p.Ala74=)

Gene: MS4A1 (membrane spanning 4-domains A1; plus strand). Cytogenetic location: 11q12.2.
Variant type: single nucleotide variant.
Coding change: c.222A>G on transcript NM_152866.3 (MANE Select); coding-DNA position 222, A replaced by G.
Protein change: p.Ala74=; no amino-acid change (alanine 74 retained).
Molecular consequence: synonymous variant.
Genome position (GRCh38, 1-based): chr11:60,463,064, A>G. VCF-style: chr11-60463064-A-G. GRCh37 (hg19) VCF-style: chr11-60230537-A-G.
Other names: c.222A>G, p.Ala74= (NM_021950.4, NM_152867.2).
Identifiers: ClinVar variation 3257106 (VCV003257106.17).